The following is an entry in ClinVar:

ClinVar aggregate classification (germline): Uncertain significance (1 of 4 stars; one submission).

Allele frequency attached by ClinVar (database versions not stated): gnomAD exomes below 0.00001; ExAC 0.00001.
gnomAD v4.1: 1 of 1,613,352 alleles (0.000062%); highest among the groups gnomAD compares: Non-Finnish European, 0.000085%; no homozygotes.

Submission:

Labcorp Genetics (formerly Invitae), Labcorp
Classification: Uncertain significance. Last evaluated: 2024-10-26. Review status: criteria provided, single submitter. Criteria: Invitae Variant Classification Sherloc (09022015). Collection method: clinical testing. Allele origin: germline.
Comment: This sequence change replaces glutamine, which is neutral and polar, with glutamic acid, which is acidic and polar, at codon 1044 of the DIAPH3 protein (p.Gln1044Glu). This variant is present in population databases (rs767533339, gnomAD 0.0009%). This variant has not been reported in the literature in individuals affected with DIAPH3-related conditions. An algorithm developed to predict the effect of missense changes on protein structure and function (PolyPhen-2) suggests that this variant is likely to be tolerated. In summary, the available evidence is currently insufficient to determine the role of this variant in disease. Therefore, it has been classified as a Variant of Uncertain Significance.

NM_001042517.2(DIAPH3):c.3130C>G (p.Gln1044Glu)

Gene: DIAPH3 (diaphanous related formin 3; minus strand). Cytogenetic location: 13q21.2.
Variant type: single nucleotide variant.
Coding change: c.3130C>G on transcript NM_001042517.2 (MANE Select); coding-DNA position 3130, C replaced by G.
Protein change: p.Gln1044Glu; replaces glutamine 1044 with glutamic acid.
Molecular consequence: missense variant.
Genome position (GRCh38, 1-based): chr13:59,810,821, G>C on the plus strand (C>G on the coding strand, the complement: DIAPH3 is on the minus strand). VCF-style: chr13-59810821-G-C. GRCh37 (hg19) VCF-style: chr13-60384955-G-C.
Other names: c.3097C>G, p.Gln1033Glu (NM_001258366.2); c.2992C>G, p.Gln998Glu (NM_001258367.2); c.2920C>G, p.Gln974Glu (NM_001258368.2); c.3130C>G, p.Gln1044Glu (NM_001258369.2); c.2341C>G, p.Gln781Glu (NM_030932.4); short protein forms Q781E, Q974E, Q998E, Q1033E, Q1044E.
Identifiers: ClinVar variation 2756762 (VCV002756762.3), dbSNP rs767533339, ClinGen allele CA6996158.